The following is an entry in ClinVar:

ClinVar aggregate classification (germline): Uncertain significance (1 of 4 stars; one submission).

Conditions:
Amyotrophic lateral sclerosis type 1 (ALS1). Also called: AMYOTROPHIC LATERAL SCLEROSIS 1, FAMILIAL. Identifiers: Orphanet 803, MedGen C1862939, MONDO:0007103, OMIM 105400.
Perry syndrome. Also called: PARKINSONISM WITH ALVEOLAR HYPOVENTILATION AND MENTAL DEPRESSION. Identifiers: Orphanet 178509, MedGen C1868594, MONDO:0008201, OMIM 168605.
Neuronopathy, distal hereditary motor, type 7B. Also called: Distal Hereditary Motor Neuronopathy Type 7B (dHMN7B); NEURONOPATHY, DISTAL HEREDITARY MOTOR, AUTOSOMAL DOMINANT 14; NEURONOPATHY, DISTAL HEREDITARY MOTOR, HARDING TYPE VIIB; NEUROPATHY, DISTAL HEREDITARY MOTOR, HARDING TYPE VIIB; NEUROPATHY, DISTAL HEREDITARY MOTOR, WITH VOCAL CORD PARALYSIS, HARDING TYPE VIIB; HMN VIIB. Identifiers: Orphanet 139589, MedGen C1843315, MONDO:0011879, OMIM 607641.

Submission:

Labcorp Genetics (formerly Invitae), Labcorp
Classification: Uncertain significance for Amyotrophic lateral sclerosis type 1; Neuronopathy, distal hereditary motor, type 7B; Perry syndrome. Last evaluated: 2022-07-18. Review status: criteria provided, single submitter. Criteria: Invitae Variant Classification Sherloc (09022015). Collection method: clinical testing. Allele origin: germline.
Comment: Algorithms developed to predict the effect of missense changes on protein structure and function are either unavailable or do not agree on the potential impact of this missense change (SIFT: "Not Available"; PolyPhen-2: "Probably Damaging"; Align-GVGD: "Not Available"). In summary, the available evidence is currently insufficient to determine the role of this variant in disease. Therefore, it has been classified as a Variant of Uncertain Significance. ClinVar contains an entry for this variant (Variation ID: 658278). This variant has not been reported in the literature in individuals affected with DCTN1-related conditions. Information on the frequency of this variant in the gnomAD database is not available, as this variant may be reported differently in the database. This sequence change replaces glycine, which is neutral and non-polar, with isoleucine, which is neutral and non-polar, at codon 48 of the DCTN1 protein (p.Gly48Ile).

NM_004082.5(DCTN1):c.142_143delinsAT (p.Gly48Ile)

Gene: DCTN1 (dynactin subunit 1; minus strand). Cytogenetic location: 2p13.1.
Variant type: Indel.
Coding change: c.142_143delinsAT on transcript NM_004082.5 (MANE Select); coding-DNA positions 142 to 143, GG replaced by AT.
Protein change: p.Gly48Ile; replaces glycine 48 with isoleucine.
Molecular consequence: missense variant. On other transcripts: non-coding transcript variant (1).
Genome position (GRCh38, 1-based): chr2:74,378,136-74,378,137, CC replaced by AT on the plus strand (GG replaced by AT on the coding strand, the reverse complement: DCTN1 is on the minus strand). VCF-style: chr2-74378136-CC-AT. GRCh37 (hg19) VCF-style: chr2-74605263-CC-AT.
Other names: c.142_143delinsAT, p.Gly48Ile (NM_001135040.3, NM_001190837.2); c.91_92delinsAT, p.Gly31Ile (NM_001190836.2, NM_001378991.1, NM_001378992.1); c.142_143delGGinsAT (NM_004082.4); short protein forms G31I, G48I.
Identifiers: ClinVar variation 658278 (VCV000658278.9), dbSNP rs1573179028, ClinGen allele CA915944055.